The following is an entry in ClinVar:

ClinVar aggregate classification (germline): Uncertain significance (1 of 4 stars; one submission).

Conditions:
Duchenne muscular dystrophy (DMD). Also called: Duchenne Muscular Dystrophy (DMD); MUSCULAR DYSTROPHY, PSEUDOHYPERTROPHIC PROGRESSIVE, DUCHENNE TYPE. Identifiers: Orphanet 98896, MedGen C0013264, MONDO:0010679, OMIM 310200.

Submission:

Labcorp Genetics (formerly Invitae), Labcorp
Classification: Uncertain significance for Duchenne muscular dystrophy. Last evaluated: 2020-02-28. Review status: criteria provided, single submitter. Criteria: Invitae Variant Classification Sherloc (09022015). Collection method: clinical testing. Allele origin: germline.
Comment: In summary, the available evidence is currently insufficient to determine the role of this variant in disease. Therefore, it has been classified as a Variant of Uncertain Significance. This variant has been observed in an individual affected with Duchenne muscular dystrophy (PMID: 17259292). This variant results in a copy number gain of the genomic region encompassing exons 50-51 of the DMD gene. While the exact position of this variant cannot be determined from this data, sub-genic copy number gains are generally in tandem (PMID: 25640679). This variant would be expected to be in-frame, preserving the integrity of the reading frame.

Literature cited by the submitters: PubMed 17259292; PubMed 25640679.

NC_000023.11:g.(?_31773950)_(31820093_?)dup

Gene: DMD (dystrophin; minus strand). Cytogenetic location: Xp21.1.
Variant type: Duplication.
Identifiers: ClinVar variation 831804 (VCV000831804.9).